The following is an entry in ClinVar:

ClinVar aggregate classification (germline): Likely benign (0 of 4 stars; one submission).

Conditions:
MYH7-related disorder. Also called: MYH7-related condition; MYH7-related disease; MYH7-related disorders.

Submission:

PreventionGenetics, part of Exact Sciences
Classification: Likely benign for MYH7-related condition. Last evaluated: 2020-11-18. Review status: no assertion criteria provided. Collection method: clinical testing. Allele origin: germline.
Comment: This variant is classified as likely benign based on ACMG/AMP sequence variant interpretation guidelines (Richards et al. 2015 PMID: 25741868, with internal and published modifications).

NM_000257.4(MYH7):c.5319G>A (p.Gln1773=)

Gene: MYH7 (myosin heavy chain 7; minus strand). Cytogenetic location: 14q11.2.
Variant type: single nucleotide variant.
Coding change: c.5319G>A on transcript NM_000257.4 (MANE Select); coding-DNA position 5319, G replaced by A.
Protein change: p.Gln1773=; no amino-acid change (glutamine 1773 retained).
Molecular consequence: synonymous variant.
Genome position (GRCh38, 1-based): chr14:23,415,235, C>T on the plus strand (G>A on the coding strand, the complement: MYH7 is on the minus strand). VCF-style: chr14-23415235-C-T. GRCh37 (hg19) VCF-style: chr14-23884444-C-T.
Other names: c.5319G>A, p.Gln1773= (NM_001407004.1).
Identifiers: ClinVar variation 3030942 (VCV003030942.2), dbSNP rs2502239743, ClinGen allele CA485765868.